The following is an entry in ClinVar:

ClinVar aggregate classification (germline): Benign/Likely benign. Review status: criteria provided, multiple submitters, no conflicts (2 of 4 stars). 16 submissions from 16 submitters: Benign (8); Likely benign (2). 6 of the submissions do not count toward it. Last evaluated 2026-02-03.

Conditions:
Episodic ataxia type 2 (EA2). Also called: ACETAZOLAMIDE-RESPONSIVE HEREDITARY PAROXYSMAL CEREBELLAR ATAXIA; ATAXIA, EPISODIC, WITH NYSTAGMUS; ATAXIA, FAMILIAL PAROXYSMAL; CEREBELLAR ATAXIA, PAROXYSMAL, ACETAZOLAMIDE-RESPONSIVE; CEREBELLOPATHY, HEREDITARY PAROXYSMAL; EPISODIC ATAXIA, NYSTAGMUS-ASSOCIATED. Identifiers: Orphanet 97, MedGen C1720416, MONDO:0007163, OMIM 108500.
Developmental and epileptic encephalopathy, 42 (DEE42A). Also called: Epileptic encephalopathy, early infantile, 42; DEVELOPMENTAL AND EPILEPTIC ENCEPHALOPATHY 42A; EPILEPTIC ENCEPHALOPATHY, EARLY INFANTILE, 42A. Identifiers: MedGen C4310716, MONDO:0014917, OMIM 617106.
Inborn genetic diseases. Identifiers: MedGen C0950123, MeSH D030342.
Spinocerebellar ataxia type 6 (SCA6). Identifiers: Orphanet 98758, MedGen C0752124, MONDO:0008457, OMIM 183086.
Migraine, familial hemiplegic, 1. Also called: MIGRAINE, FAMILIAL HEMIPLEGIC 1, WITH PROGRESSIVE CEREBELLAR ATAXIA. Identifiers: Orphanet 569, MedGen C1832884, MONDO:0020756, OMIM 141500, MONDO:0007714.

Allele frequency attached by ClinVar (database versions not stated): gnomAD 0.07737 and 0.08263; 1000 Genomes Project 0.10044; ESP Exome Variant Server 0.07390; 1000 Genomes Project 30x 0.09697; gnomAD exomes 0.10309 and 0.10876; ExAC 0.11274; TOPMed 0.07735.
gnomAD v4.1: 162,423 of 1,606,038 alleles (10%); highest among the groups gnomAD compares: South Asian, 24%; 9,572 homozygotes.

Submissions (16):

Labcorp Genetics (formerly Invitae), Labcorp
Classification: Benign for Developmental and epileptic encephalopathy, 42; Episodic ataxia type 2. Last evaluated: 2026-02-03. Review status: criteria provided, single submitter. Criteria: Invitae Variant Classification Sherloc (09022015). Collection method: clinical testing. Allele origin: germline.

Blueprint Genetics
Classification: Likely benign. Last evaluated: 2024-11-28. Review status: criteria provided, single submitter. Criteria: ACMG Guidelines, 2015. Collection method: clinical testing. Allele origin: germline.

Mayo Clinic Laboratories, Mayo Clinic
Classification: Benign. Last evaluated: 2023-03-21. Review status: criteria provided, single submitter. Criteria: ACMG Guidelines, 2015. Collection method: clinical testing. Allele origin: germline. Observed: 203 variant alleles.
Comment: BA1, BP4

Fulgent Genetics
Classification: Likely benign for Episodic ataxia type 2; Migraine, familial hemiplegic, 1; Spinocerebellar ataxia type 6; Developmental and epileptic encephalopathy, 42. Last evaluated: 2021-10-05. Review status: criteria provided, single submitter. Criteria: ACMG Guidelines, 2015. Collection method: clinical testing. Allele origin: unknown.

Athena Diagnostics
Classification: Benign. Last evaluated: 2017-08-23. Review status: criteria provided, single submitter. Criteria: Athena Diagnostics Criteria. Collection method: clinical testing. Allele origin: unknown.

Eurofins Ntd Llc (ga)
Classification: Benign. Last evaluated: 2016-04-04. Review status: criteria provided, single submitter. Criteria: EGL Classification Definitions 2015. Collection method: clinical testing. Allele origin: germline. Observed: 31 variant alleles, 27 heterozygotes, 4 homozygotes.

Ambry Genetics
Classification: Benign for Inborn genetic diseases. Last evaluated: 2016-03-02. Review status: criteria provided, single submitter. Criteria: Ambry Variant Classification Scheme 2023. Collection method: clinical testing. Allele origin: germline.

GeneDx
Classification: Benign. Last evaluated: 2016-01-05. Review status: criteria provided, single submitter. Criteria: GeneDx Variant Classification (06012015). Collection method: clinical testing. Allele origin: germline. Affected: yes.
Comment: This variant is considered likely benign or benign based on one or more of the following criteria: it is a conservative change, it occurs at a poorly conserved position in the protein, it is predicted to be benign by multiple in silico algorithms, and/or has population frequency not consistent with disease.

Breakthrough Genomics
Classification: Benign. Review status: criteria provided, single submitter. Criteria: ACMG Guidelines, 2015. Collection method: not provided. Allele origin: germline. Inheritance: Autosomal dominant inheritance. Affected: yes.

PreventionGenetics, part of Exact Sciences
Classification: Benign. Review status: criteria provided, single submitter. Criteria: ACMG Guidelines, 2015. Collection method: clinical testing. Allele origin: germline.

Clinical Genetics DNA and cytogenetics Diagnostics Lab, Erasmus MC, Erasmus Medical Center
Classification: Benign. Review status: no assertion criteria provided. Collection method: clinical testing. Allele origin: germline. Affected: yes. Study: VKGL Data-share Consensus. Not counted in ClinVar's aggregate classification.

Diagnostic Laboratory, Department of Genetics, University Medical Center Groningen
Classification: Benign. Review status: no assertion criteria provided. Collection method: clinical testing. Allele origin: germline. Affected: yes. Study: VKGL Data-share Consensus. Not counted in ClinVar's aggregate classification.

Genetic Services Laboratory, University of Chicago
Classification: Likely benign for AllHighlyPenetrant. Review status: no assertion criteria provided. Collection method: clinical testing. Allele origin: germline. Inheritance: Autosomal dominant inheritance. Not counted in ClinVar's aggregate classification.
Comment: Likely benign based on allele frequency in 1000 Genomes Project or ESP global frequency and its presence in a patient with a rare or unrelated disease phenotype. NOT Sanger confirmed.

Genome Diagnostics Laboratory, University Medical Center Utrecht
Classification: Benign. Review status: no assertion criteria provided. Collection method: clinical testing. Allele origin: germline. Affected: yes. Study: VKGL Data-share Consensus. Not counted in ClinVar's aggregate classification.

Joint Genome Diagnostic Labs from Nijmegen and Maastricht, Radboudumc and MUMC+
Classification: Benign. Review status: no assertion criteria provided. Collection method: clinical testing. Allele origin: germline. Affected: yes. Study: VKGL Data-share Consensus. Not counted in ClinVar's aggregate classification.

UniProtKB/Swiss-Prot
No classification provided. Review status: no classification provided. Collection method: not provided. Allele origin: not provided. Not counted in ClinVar's aggregate classification.

NM_001127222.2(CACNA1A):c.3310G>A (p.Gly1104Ser)

Gene: CACNA1A (calcium voltage-gated channel subunit alpha1 A; minus strand). Cytogenetic location: 19p13.13.
Variant type: single nucleotide variant.
Coding change: c.3310G>A on transcript NM_001127222.2 (MANE Select); coding-DNA position 3310, G replaced by A.
Protein change: p.Gly1104Ser; replaces glycine 1104 with serine.
Molecular consequence: missense variant.
Genome position (GRCh38, 1-based): chr19:13,286,746, C>T on the plus strand (G>A on the coding strand, the complement: CACNA1A is on the minus strand). VCF-style: chr19-13286746-C-T. GRCh37 (hg19) VCF-style: chr19-13397560-C-T.
Other names: c.3322G>A, p.Gly1108Ser (NM_000068.4, NM_023035.3); c.3313G>A, p.Gly1105Ser (NM_001127221.2, NM_001174080.2); short protein forms G1105S, G1104S, G1108S.
Identifiers: ClinVar variation 68428 (VCV000068428.32), dbSNP rs16027, ClinGen allele CA147061.